The following is an entry in ClinVar:

NM_001040167.2(LFNG):c.620T>A (p.Leu207Gln)

Gene: LFNG (LFNG O-fucosylpeptide 3-beta-N-acetylglucosaminyltransferase; plus strand). Cytogenetic location: 7p22.3.
Variant type: single nucleotide variant.
Coding change: c.620T>A on transcript NM_001040167.2 (MANE Select); coding-DNA position 620, T replaced by A.
Protein change: p.Leu207Gln; replaces leucine 207 with glutamine.
Molecular consequence: missense variant.
Genome position (GRCh38, 1-based): chr7:2,525,452, T>A. VCF-style: chr7-2525452-T-A. GRCh37 (hg19) VCF-style: chr7-2565086-T-A.
Other names: c.620T>A, p.Leu207Gln (NM_001040168.2); c.407T>A, p.Leu136Gln (NM_001166355.2); c.233T>A, p.Leu78Gln (NM_002304.3); short protein forms L136Q, L78Q, L207Q.
Identifiers: ClinVar variation 1908842 (VCV001908842.5), dbSNP rs780701689, ClinGen allele CA4127050.
Genomic context (GRCh38, chr7:2,525,452, plus strand): 5'-GATGGCCCTGCCTTGTCCTCAGGTGGTTCTGCCACGTGGACGATGACAACTACGTCAACC[T>A]GCGGGCCCTGCTGCGGCTGCTGGCCAGCTACCCGCACACGCGGGACGTCTACGTCGGCAA-3'
Protein context (NP_001035257.1, residues 197-217): CHVDDDNYVN[Leu207Gln]RALLRLLASY

ClinVar aggregate classification (germline): Uncertain significance (1 of 4 stars; one submission).

Conditions:
Spondylocostal dysostosis 3, autosomal recessive (SCDO3). Also called: LFNG-Related Spondylocostal Dysostosis, Autosomal Recessive. Identifiers: Orphanet 2311, MedGen C1853296, MONDO:0012349, OMIM 609813.

Allele frequency attached by ClinVar (database versions not stated): TOPMed below 0.00001; ExAC 0.00001.

Submission:

Labcorp Genetics (formerly Invitae), Labcorp
Classification: Uncertain significance for Spondylocostal dysostosis 3, autosomal recessive. Last evaluated: 2022-02-21. Review status: criteria provided, single submitter. Criteria: Invitae Variant Classification Sherloc (09022015). Collection method: clinical testing. Allele origin: germline.
Comment: This variant has not been reported in the literature in individuals affected with LFNG-related conditions. This variant is present in population databases (rs780701689, gnomAD 0.003%). This sequence change replaces leucine, which is neutral and non-polar, with glutamine, which is neutral and polar, at codon 207 of the LFNG protein (p.Leu207Gln). Algorithms developed to predict the effect of missense changes on protein structure and function are either unavailable or do not agree on the potential impact of this missense change (SIFT: "Deleterious"; PolyPhen-2: "Possibly Damaging"; Align-GVGD: "Class C0"). In summary, the available evidence is currently insufficient to determine the role of this variant in disease. Therefore, it has been classified as a Variant of Uncertain Significance.